The following is an entry in ClinVar:

ClinVar aggregate classification (germline): Likely benign. Review status: criteria provided, multiple submitters, no conflicts (2 of 4 stars). 2 submissions from 2 submitters: Likely benign (2). Last evaluated 2024-11-08.

Conditions:
Renal cell carcinoma. Identifiers: Orphanet 217071, MedGen C0007134, MeSH D002292, MONDO:0005086, HP:0005584.
Papillary renal cell carcinoma type 1 (RCCP1). Also called: Renal adenocarcinoma; Renal cell carcinoma 1; Renal cell carcinoma, somatic; RENAL CELL CARCINOMA, PAPILLARY, 1, SOMATIC. Identifiers: Orphanet 47044, MedGen C1336839, OMIM 605074, HP:0011797.

Submissions (2):

Myriad Genetics, Inc.
Classification: Likely benign for Papillary renal cell carcinoma type 1. Last evaluated: 2024-11-08. Review status: criteria provided, single submitter. Criteria: Myriad Autosomal Dominant, Autosomal Recessive and X-Linked Classification Criteria (2023). Collection method: clinical testing. Allele origin: unknown.
Comment: This variant is considered likely benign. This variant is intronic and is not expected to impact mRNA splicing.

Labcorp Genetics (formerly Invitae), Labcorp
Classification: Likely benign for Renal cell carcinoma. Last evaluated: 2024-08-27. Review status: criteria provided, single submitter. Criteria: Invitae Variant Classification Sherloc (09022015). Collection method: clinical testing. Allele origin: germline.

NM_000245.4(MET):c.2103-12T>C

Gene: MET (MET proto-oncogene, receptor tyrosine kinase; plus strand). Cytogenetic location: 7q31.2.
Variant type: single nucleotide variant.
Coding change: c.2103-12T>C on transcript NM_000245.4 (MANE Select); 12 bases into the intron before coding-DNA position 2103, T replaced by C.
Molecular consequence: intron variant.
Genome position (GRCh38, 1-based): chr7:116,758,447, T>C. VCF-style: chr7-116758447-T-C. GRCh37 (hg19) VCF-style: chr7-116398501-T-C.
Other names: c.2103-12T>C (NM_001127500.3, NM_001324401.3); c.813-12T>C (NM_001324402.2).
Identifiers: ClinVar variation 3680885 (VCV003680885.3).